The following is an entry in ClinVar:

NM_172107.4(KCNQ2):c.2203G>A (p.Asp735Asn)

Gene: KCNQ2 (potassium voltage-gated channel subfamily Q member 2; minus strand). Cytogenetic location: 20q13.33.
Variant type: single nucleotide variant.
Coding change: c.2203G>A on transcript NM_172107.4 (MANE Select); coding-DNA position 2203, G replaced by A.
Protein change: p.Asp735Asn; replaces aspartic acid 735 with asparagine.
Molecular consequence: missense variant.
Genome position (GRCh38, 1-based): chr20:63,407,060, C>T on the plus strand (G>A on the coding strand, the complement: KCNQ2 is on the minus strand). VCF-style: chr20-63407060-C-T. GRCh37 (hg19) VCF-style: chr20-62038413-C-T.
Other names: c.2257G>A, p.Asp753Asn (NM_001382235.1); c.2119G>A, p.Asp707Asn (NM_004518.6); c.2149G>A, p.Asp717Asn (NM_172106.3); c.2110G>A, p.Asp704Asn (NM_172108.5); short protein forms D707N, D735N, D717N, D753N, D704N.
Identifiers: ClinVar variation 937305 (VCV000937305.10), dbSNP rs1333247951, ClinGen allele CA409638548.

ClinVar aggregate classification (germline): Uncertain significance (1 of 4 stars; one submission).

Conditions:
Early-infantile DEE. Also called: Early infantile epileptic encephalopathy; Ohtahara syndrome; Early infantile epileptic encephalopathy with suppression bursts. Identifiers: Orphanet 1934, MedGen C0393706, MONDO:0800491.

gnomAD v4.1: 1 of 1,521,410 alleles (0.000066%); no homozygotes.

Submission:

Labcorp Genetics (formerly Invitae), Labcorp
Classification: Uncertain significance for Early-infantile DEE. Last evaluated: 2019-09-10. Review status: criteria provided, single submitter. Criteria: Invitae Variant Classification Sherloc (09022015). Collection method: clinical testing. Allele origin: germline.
Comment: The frequency data for this variant in the population databases is considered unreliable, as metrics indicate insufficient coverage at this position in the ExAC database. In summary, the available evidence is currently insufficient to determine the role of this variant in disease. Therefore, it has been classified as a Variant of Uncertain Significance. Algorithms developed to predict the effect of missense changes on protein structure and function (SIFT, PolyPhen-2, Align-GVGD) all suggest that this variant is likely to be tolerated, but these predictions have not been confirmed by published functional studies and their clinical significance is uncertain. This variant has not been reported in the literature in individuals with KCNQ2-related conditions. This sequence change replaces aspartic acid with asparagine at codon 735 of the KCNQ2 protein (p.Asp735Asn). The aspartic acid residue is highly conserved and there is a small physicochemical difference between aspartic acid and asparagine.